The following is an entry in ClinVar:

NM_025000.4(DCAF17):c.1488_1489del (p.Arg496fs)

Gene: DCAF17 (DDB1 and CUL4 associated factor 17; plus strand). Cytogenetic location: 2q31.1.
Variant type: Microsatellite.
Coding change: c.1488_1489del on transcript NM_025000.4 (MANE Select); coding-DNA positions 1488 to 1489, 2 bases deleted (AG; older notation c.1488_1489delAG).
Protein change: p.Arg496fs; shifts the reading frame from arginine 496.
Molecular consequence: frameshift variant. On other transcripts: non-coding transcript variant (1).
Genome position (GRCh38, 1-based): chr2:171,481,039-171,481,040, AG deleted; deleting any 2 consecutive bases within chr2:171,481,037-171,481,040 gives the same sequence; the c. name uses the placement nearest the transcript's 3' end. VCF-style (leftmost placement, unchanged base first): chr2-171481036-CAG-C. GRCh37 (hg19) VCF-style: chr2-172337546-CAG-C.
Other names: c.1287_1288del, p.Arg429fs (NM_001164821.2); c.1488_1489delAG (NM_025000.3); short protein forms R429fs, R496fs.
Identifiers: ClinVar variation 1679361 (VCV001679361.4), dbSNP rs778488574, ClinGen allele CA1964987.
Genomic context (GRCh38, chr2:171,481,036, plus strand): 5'-ATATAGCCATGAAGTCTACTTTGACAGAGACTTGGTGCTACACATAGAGCAGAAACCCAA[CAG>C]AGTCTTCAGCTGCTATGTTTACCAGATGATATGTGACACTGGGGAAGAAGAAGAAACCAT-3'

ClinVar aggregate classification (germline): Pathogenic/Likely pathogenic. Review status: criteria provided, multiple submitters, no conflicts (2 of 4 stars). 2 submissions from 2 submitters: Pathogenic (1); Likely pathogenic (1). Last evaluated 2023-06-20.

Conditions:
Neurodegeneration with brain iron accumulation (NBIA). Identifiers: Orphanet 385, MedGen C2931845, MONDO:0018307.
Woodhouse-Sakati syndrome. Also called: EXTRAPYRAMIDAL DISORDER, PROGRESSIVE, WITH PRIMARY HYPOGONADISM, MENTAL RETARDATION, AND ALOPECIA; Hypogonadism, Alopecia, Diabetes Mellitus, Mental Retardation, and Extrapyramidal Syndrome; Hypogonadism, diabetes mellitus, alopecia, mental retardation and electrocardiographic abnormalities. Identifiers: Orphanet 3464, MedGen C0342286, MONDO:0009419, OMIM 241080.

Submissions (2):

Women's Health and Genetics/Laboratory Corporation of America, LabCorp
Classification: Pathogenic for Neurodegeneration with brain iron accumulation. Last evaluated: 2023-06-20. Review status: criteria provided, single submitter. Criteria: LabCorp Variant Classification Summary - May 2015. Collection method: clinical testing. Allele origin: germline.
Comment: Variant summary: DCAF17 c.1488_1489delAG (p.Arg496SerfsX12) results in a premature termination codon, predicted to cause a truncation of the last 12 amino acids in the last exon of the encoded protein. This truncation is not expected to cause nonsense mediated decay. The variant allele was found at a frequency of 1.2e-05 in 251124 control chromosomes. c.1488_1489delAG has been reported in the literature in at least two homozygous siblings affected with Woodhouse-Sakati syndrome with evidence of familial co-segregation with disease (example: Zhou_2021). These data indicate that the variant is likely to be associated with disease. To our knowledge, no experimental evidence demonstrating an impact on protein function has been reported. The following publication has been ascertained in the context of this evaluation (PMID: 35002959). One submitter has cited clinical-significance assessments for this variant to ClinVar after 2014 and has classified the variant as likely pathogenic. Based on the evidence outlined above, the variant was classified as pathogenic.

Department of Clinical Genetics, Copenhagen University Hospital, Rigshospitalet
Classification: Likely pathogenic for Woodhouse-Sakati syndrome. Last evaluated: 2021-08-01. Review status: criteria provided, single submitter. Criteria: ACMG Guidelines, 2015. Collection method: clinical testing. Allele origin: inherited. Affected: yes.

Literature cited by the submitters: PubMed 35002959 (cited by Women's Health and Genetics/Laboratory Corporation of America, LabCorp).